The following is an entry in ClinVar:

NM_013266.4(CTNNA3):c.553G>T (p.Asp185Tyr)

Gene: CTNNA3 (catenin alpha 3; minus strand). Cytogenetic location: 10q21.3.
Variant type: single nucleotide variant.
Coding change: c.553G>T on transcript NM_013266.4 (MANE Select); coding-DNA position 553, G replaced by T.
Protein change: p.Asp185Tyr; replaces aspartic acid 185 with tyrosine.
Molecular consequence: missense variant.
Genome position (GRCh38, 1-based): chr10:67,521,868, C>A on the plus strand (G>T on the coding strand, the complement: CTNNA3 is on the minus strand). VCF-style: chr10-67521868-C-A. GRCh37 (hg19) VCF-style: chr10-69281626-C-A.
Other names: c.553G>T, p.Asp185Tyr (NM_001127384.3); c.589G>T, p.Asp197Tyr (NM_001291133.2); short protein forms D185Y, D197Y.
Identifiers: ClinVar variation 3698216 (VCV003698216.2).

ClinVar aggregate classification (germline): Uncertain significance (1 of 4 stars; one submission).

Conditions:
Arrhythmogenic right ventricular dysplasia 13. Also called: ARRHYTHMOGENIC RIGHT VENTRICULAR CARDIOMYOPATHY 13; Arrhythmogenic right ventricular dysplasia, familial, 13. Identifiers: MedGen C3810138, MONDO:0000908, OMIM 615616.

Submission:

Labcorp Genetics (formerly Invitae), Labcorp
Classification: Uncertain significance for Arrhythmogenic right ventricular dysplasia 13. Last evaluated: 2024-05-06. Review status: criteria provided, single submitter. Criteria: Invitae Variant Classification Sherloc (09022015). Collection method: clinical testing. Allele origin: germline.
Comment: This sequence change replaces aspartic acid, which is acidic and polar, with tyrosine, which is neutral and polar, at codon 185 of the CTNNA3 protein (p.Asp185Tyr). This variant is not present in population databases (gnomAD no frequency). This variant has not been reported in the literature in individuals affected with CTNNA3-related conditions. Advanced modeling of protein sequence and biophysical properties (such as structural, functional, and spatial information, amino acid conservation, physicochemical variation, residue mobility, and thermodynamic stability) performed at Invitae indicates that this missense variant is not expected to disrupt CTNNA3 protein function with a negative predictive value of 80%. In summary, the available evidence is currently insufficient to determine the role of this variant in disease. Therefore, it has been classified as a Variant of Uncertain Significance.